The following is an entry in ClinVar:

NM_004006.3(DMD):c.10059C>G (p.His3353Gln)

Gene: DMD (dystrophin; minus strand). Cytogenetic location: Xp21.2.
Variant type: single nucleotide variant.
Coding change: c.10059C>G on transcript NM_004006.3 (MANE Select); coding-DNA position 10059, C replaced by G.
Protein change: p.His3353Gln; replaces histidine 3353 with glutamine.
Molecular consequence: missense variant.
Genome position (GRCh38, 1-based): chrX:31,180,397, G>C on the plus strand (C>G on the coding strand, the complement: DMD is on the minus strand). VCF-style: chrX-31180397-G-C. GRCh37 (hg19) VCF-style: chrX-31198514-G-C.
Other names: c.10035C>G, p.His3345Gln (NM_000109.4); c.10047C>G, p.His3349Gln (NM_004009.3); c.9690C>G, p.His3230Gln (NM_004010.3); c.6036C>G, p.His2012Gln (NM_004011.4); c.6027C>G, p.His2009Gln (NM_004012.4); c.2679C>G, p.His893Gln (NM_004013.3, NM_004020.4, NM_004021.3 and 2 more transcripts); c.1872C>G, p.His624Gln (NM_004014.3); c.855C>G, p.His285Gln (NM_004015.3, NM_004016.3, NM_004017.3 and 2 more transcripts); short protein forms H2012Q, H285Q, H3345Q, H3349Q, H893Q, H2009Q, H3230Q, H624Q.
Identifiers: ClinVar variation 4750725 (VCV004750725.1).

ClinVar aggregate classification (germline): Uncertain significance (1 of 4 stars; one submission).

Conditions:
Duchenne muscular dystrophy (DMD). Also called: MUSCULAR DYSTROPHY, PSEUDOHYPERTROPHIC PROGRESSIVE, DUCHENNE TYPE; Duchenne Muscular Dystrophy (DMD). Identifiers: Orphanet 98896, MedGen C0013264, MONDO:0010679, OMIM 310200.

Submission:

Labcorp Genetics (formerly Invitae), Labcorp
Classification: Uncertain significance for Duchenne muscular dystrophy. Last evaluated: 2025-09-15. Review status: criteria provided, single submitter. Criteria: Invitae Variant Classification Sherloc (09022015). Collection method: clinical testing. Allele origin: germline.
Comment: This sequence change replaces histidine, which is basic and polar, with glutamine, which is neutral and polar, at codon 3353 of the DMD protein (p.His3353Gln). This variant is not present in population databases (gnomAD no frequency). This variant has not been reported in the literature in individuals affected with DMD-related conditions. Invitae Evidence Modeling of protein sequence and biophysical properties (such as structural, functional, and spatial information, amino acid conservation, physicochemical variation, residue mobility, and thermodynamic stability) indicates that this missense variant is not expected to disrupt DMD protein function with a negative predictive value of 95%. In summary, the available evidence is currently insufficient to determine the role of this variant in disease. Therefore, it has been classified as a Variant of Uncertain Significance.